The following is an entry in ClinVar:

ClinVar aggregate classification (germline): Likely benign (1 of 4 stars; one submission).

Allele frequency attached by ClinVar (database versions not stated): TOPMed 0.00003; gnomAD exomes 0.00005; gnomAD 0.00013; 1000 Genomes Project 0.00040; 1000 Genomes Project 30x 0.00062.
gnomAD v4.1: 24 of 235,146 alleles (0.01%); highest among the groups gnomAD compares: South Asian, 0.43%; no homozygotes.

Submission:

CeGaT Center for Human Genetics Tuebingen
Classification: Likely benign. Last evaluated: 2023-01-01. Review status: criteria provided, single submitter. Criteria: CeGaT Center For Human Genetics Tuebingen Variant Classification Criteria Version 2. Collection method: clinical testing. Allele origin: germline. Affected: yes. Observed: 1 variant allele.
Comment: TMEM127: BS1

NM_017849.4(TMEM127):c.*547G>A

Gene: TMEM127 (transmembrane protein 127; minus strand). Cytogenetic location: 2q11.2.
Variant type: single nucleotide variant.
Coding change: c.*547G>A on transcript NM_017849.4 (MANE Select); 547 bases downstream of the stop codon, G replaced by A.
Molecular consequence: 3 prime UTR variant.
Genome position (GRCh38, 1-based): chr2:96,253,261, C>T on the plus strand (G>A on the coding strand, the complement: TMEM127 is on the minus strand). VCF-style: chr2-96253261-C-T. GRCh37 (hg19) VCF-style: chr2-96918999-C-T.
Other names: c.*547G>A (NM_001193304.3, NM_001407282.1, NM_001407283.1).
Identifiers: ClinVar variation 2651141 (VCV002651141.24), dbSNP rs371702714, ClinGen allele CA52411531.